The following is an entry in ClinVar:

ClinVar aggregate classification (germline): Uncertain significance (1 of 4 stars; one submission).

Conditions:
Basal cell nevus syndrome 1 (BCNS1). Also called: GORLIN-GOLTZ SYNDROME; MULTIPLE BASAL CELL NEVI, ODONTOGENIC KERATOCYSTS, AND SKELETAL ANOMALIES. Identifiers: MedGen CN376810, MONDO:0958174, OMIM 109400.

gnomAD v4.1: 1 of 1,614,006 alleles (0.000062%); highest among the groups gnomAD compares: African/African-American, 0.0013%; no homozygotes.

Submission:

St. Jude Molecular Pathology, St. Jude Children's Research Hospital
Classification: Uncertain significance for Basal cell nevus syndrome 1. Last evaluated: 2025-02-05. Review status: criteria provided, single submitter. Criteria: St. Jude Assertion Criteria 2020. Collection method: clinical testing. Allele origin: germline.
Comment: The PTCH2 c.2195G>C (p.Arg732Thr) missense change has a maximum subpopulation frequency of 0.01% in gnomAD v2.1.1. The in silico tool REVEL is inconclusive about a pathogenic or benign effect of this variant on protein function, and to our knowledge functional studies have not been performed. To our knowledge, this variant has not been reported in individuals with nevoid basal cell carcinoma syndrome. In summary, the evidence currently available is insufficient to determine the clinical significance of this variant. It has therefore been classified as of uncertain significance.

NM_003738.5(PTCH2):c.2195G>C (p.Arg732Thr)

Gene: PTCH2 (patched 2; minus strand). Cytogenetic location: 1p34.1.
Variant type: single nucleotide variant.
Coding change: c.2195G>C on transcript NM_003738.5 (MANE Select); coding-DNA position 2195, G replaced by C.
Protein change: p.Arg732Thr; replaces arginine 732 with threonine.
Molecular consequence: missense variant.
Genome position (GRCh38, 1-based): chr1:44,827,578, C>G on the plus strand (G>C on the coding strand, the complement: PTCH2 is on the minus strand). VCF-style: chr1-44827578-C-G. GRCh37 (hg19) VCF-style: chr1-45293250-C-G.
Other names: c.2195G>C, p.Arg732Thr (NM_001166292.2); short protein forms R732T.
Identifiers: ClinVar variation 3602690 (VCV003602690.1).